The following is an entry in ClinVar:

NM_001166108.2(PALLD):c.2003C>A (p.Ala668Asp)

Gene: PALLD (palladin, cytoskeletal associated protein; plus strand). Cytogenetic location: 4q32.3.
Variant type: single nucleotide variant.
Coding change: c.2003C>A on transcript NM_001166108.2 (MANE Select); coding-DNA position 2003, C replaced by A.
Protein change: p.Ala668Asp; replaces alanine 668 with aspartic acid.
Molecular consequence: missense variant. On other transcripts: 5 prime UTR variant (4).
Genome position (GRCh38, 1-based): chr4:168,890,960, C>A. VCF-style: chr4-168890960-C-A. GRCh37 (hg19) VCF-style: chr4-169812111-C-A.
Other names: c.857C>A, p.Ala286Asp (NM_001166109.2); c.542C>A, p.Ala181Asp (NM_001166110.2); c.-119C>A (NM_001367567.1, NM_001367568.1, NM_001367569.1 and 1 more transcripts); c.2003C>A, p.Ala668Asp (NM_016081.4); short protein forms A286D, A181D, A668D.
Identifiers: ClinVar variation 4841860 (VCV004841860.1).

ClinVar aggregate classification (germline): Uncertain significance (1 of 4 stars; one submission).

Submission:

Ambry Genetics
Classification: Uncertain significance. Last evaluated: 2026-01-11. Review status: criteria provided, single submitter. Criteria: Ambry Variant Classification Scheme 2023. Collection method: clinical testing. Allele origin: germline.
Comment: The p.A181D variant (also known as c.542C>A), located in coding exon 2 of the PALLD gene, results from a C to A substitution at nucleotide position 542. The alanine at codon 181 is replaced by aspartic acid, an amino acid with dissimilar properties. This amino acid position is conserved. In addition, the in silico prediction for this alteration is inconclusive. Based on the available evidence, the clinical significance of this variant remains unclear.